The following is an entry in ClinVar:

NM_080546.5(SLC44A1):c.1179T>G (p.Ile393Met)

Gene: SLC44A1 (solute carrier family 44 member 1; plus strand). Cytogenetic location: 9q31.1.
Variant type: single nucleotide variant.
Coding change: c.1179T>G on transcript NM_080546.5 (MANE Select); coding-DNA position 1179, T replaced by G.
Protein change: p.Ile393Met; replaces isoleucine 393 with methionine.
Molecular consequence: missense variant.
Genome position (GRCh38, 1-based): chr9:105,364,646, T>G. VCF-style: chr9-105364646-T-G. GRCh37 (hg19) VCF-style: chr9-108126927-T-G.
Other names: p.Ile393Met; c.1179T>G, p.Ile393Met (NM_001286730.2, NM_001330731.2); short protein forms I393M.
Identifiers: ClinVar variation 3379890 (VCV003379890.1).
Genomic context (GRCh38, chr9:105,364,646, plus strand): 5'-GGAGTTCAAAATTTCTGGGCCTCTGCAGTACATGTGGTGGTACCATGTGGTGGGCCTGAT[T>G]TGGATCAGTGAATTTATTCTAGCATGTCAGCAGATGACAGTGGCAGGAGCTGTGGTAACA-3'
Protein context (NP_536856.2, residues 383-403): YMWWYHVVGL[Ile393Met]WISEFILACQ

ClinVar aggregate classification (germline): Uncertain significance (1 of 4 stars; one submission).

Submission:

Mayo Clinic Laboratories, Mayo Clinic
Classification: Uncertain significance. Last evaluated: 2023-12-20. Review status: criteria provided, single submitter. Criteria: ACMG Guidelines, 2015. Collection method: clinical testing. Allele origin: germline. Observed: 1 variant allele.
Comment: PM2_moderate